The following is an entry in ClinVar:

ClinVar aggregate classification (germline): Uncertain significance (1 of 4 stars; one submission).

Conditions:
Ullrich congenital muscular dystrophy 2 (UCMD2). Identifiers: Orphanet 75840, MedGen C4225314, MONDO:0014654, OMIM 616470.
Bethlem myopathy 2 (BTHLM2). Identifiers: Orphanet 536516, Orphanet 610, MedGen C4225313, MONDO:0034022, OMIM 616471.

Allele frequency attached by ClinVar (database versions not stated): gnomAD exomes below 0.00001; TOPMed 0.00001.

Submission:

Labcorp Genetics (formerly Invitae), Labcorp
Classification: Uncertain significance for Bethlem myopathy 2; Ullrich congenital muscular dystrophy 2. Last evaluated: 2025-09-22. Review status: criteria provided, single submitter. Criteria: Invitae Variant Classification Sherloc (09022015). Collection method: clinical testing. Allele origin: germline.
Comment: This sequence change replaces isoleucine, which is neutral and non-polar, with valine, which is neutral and non-polar, at codon 1231 of the COL12A1 protein (p.Ile1231Val). This variant is not present in population databases (gnomAD no frequency). This variant has not been reported in the literature in individuals affected with COL12A1-related conditions. ClinVar contains an entry for this variant (Variation ID: 542493). Invitae Evidence Modeling of protein sequence and biophysical properties (such as structural, functional, and spatial information, amino acid conservation, physicochemical variation, residue mobility, and thermodynamic stability) indicates that this missense variant is not expected to disrupt COL12A1 protein function with a negative predictive value of 80%. In summary, the available evidence is currently insufficient to determine the role of this variant in disease. Therefore, it has been classified as a Variant of Uncertain Significance.

NM_004370.6(COL12A1):c.3691A>G (p.Ile1231Val)

Gene: COL12A1 (collagen type XII alpha 1 chain; minus strand). Cytogenetic location: 6q13.
Variant type: single nucleotide variant.
Coding change: c.3691A>G on transcript NM_004370.6 (MANE Select); coding-DNA position 3691, A replaced by G.
Protein change: p.Ile1231Val; replaces isoleucine 1231 with valine.
Molecular consequence: missense variant.
Genome position (GRCh38, 1-based): chr6:75,152,357, T>C on the plus strand (A>G on the coding strand, the complement: COL12A1 is on the minus strand). VCF-style: chr6-75152357-T-C. GRCh37 (hg19) VCF-style: chr6-75862073-T-C.
Other names: c.199A>G, p.Ile67Val (NM_080645.3); short protein forms I1231V, I67V.
Identifiers: ClinVar variation 542493 (VCV000542493.9), dbSNP rs1449618151, ClinGen allele CA364750091.